The following is an entry in ClinVar:

NM_017780.4(CHD7):c.1238T>G (p.Val413Gly)

Gene: CHD7 (chromodomain helicase DNA binding protein 7; plus strand). Cytogenetic location: 8q12.2.
Variant type: single nucleotide variant.
Coding change: c.1238T>G on transcript NM_017780.4 (MANE Select); coding-DNA position 1238, T replaced by G.
Protein change: p.Val413Gly; replaces valine 413 with glycine.
Molecular consequence: missense variant.
Genome position (GRCh38, 1-based): chr8:60,742,670, T>G. VCF-style: chr8-60742670-T-G. GRCh37 (hg19) VCF-style: chr8-61655229-T-G.
Other names: c.1238T>G, p.Val413Gly (NM_001316690.1); c.1238T>G (NM_017780.2, NM_017780.3); short protein forms V413G.
Identifiers: ClinVar variation 1524512 (VCV001524512.11), dbSNP rs1021434443, ClinGen allele CA177313380.
Genomic context (GRCh38, chr8:60,742,670, plus strand): 5'-CACCTCCCATGTCACCCATGAAAGCAATGAGTAATCCAGCAGGCACTCCTCCTCCACAAG[T>G]CAGGCCGGGAAGTGCTGGGATACCAATGGAAGTTGGCAGTTATCCAAATATGCCCCATCC-3'
Protein context (NP_060250.2, residues 403-423): SNPAGTPPPQ[Val413Gly]RPGSAGIPME

ClinVar aggregate classification (germline): Uncertain significance. Review status: criteria provided, multiple submitters, no conflicts (2 of 4 stars). 4 submissions from 4 submitters: Uncertain significance (4). Last evaluated 2026-06-16.

Conditions:
Hypogonadotropic hypogonadism 5 with or without anosmia (KAL5). Also called: HYPOGONADOTROPIC HYPOGONADISM 5 WITH ANOSMIA; HYPOGONADOTROPHIC HYPOGONADISM 5 WITHOUT ANOSMIA; CHD7-Related GnRH Deficiency (Kallmann Syndrome 5). Identifiers: Orphanet 478, MedGen C3552553, MONDO:0012880, OMIM 612370. Disease mechanism: loss of function.
CHARGE syndrome (CHARGE). Also called: Coloboma, heart anomaly, choanal atresia, retardation, genital and ear anomalies; CHARGE association; Hall-Hittner syndrome; Hittner Hirsch Kreh syndrome; CHARGE ASSOCIATION--COLOBOMA, HEART ANOMALY, CHOANAL ATRESIA, RETARDATION, GENITAL AND EAR ANOMALIES. Identifiers: Orphanet 138, MedGen C0265354, MONDO:0008965.
Inborn genetic diseases. Identifiers: MedGen C0950123, MeSH D030342.

Allele frequency attached by ClinVar (database versions not stated): TOPMed below 0.00001; gnomAD exomes 0.00001.
gnomAD v4.1: 10 of 1,610,532 alleles (0.00062%); highest among the groups gnomAD compares: Non-Finnish European, 0.00076%; no homozygotes.

Submissions (4):

Ambry Genetics
Classification: Uncertain significance for Inborn genetic diseases. Last evaluated: 2026-06-16. Review status: criteria provided, single submitter. Criteria: Ambry Variant Classification Scheme 2023. Collection method: clinical testing. Allele origin: germline.

GeneDx
Classification: Uncertain significance. Last evaluated: 2025-06-30. Review status: criteria provided, single submitter. Criteria: GeneDx Variant Classification Process June 2021. Collection method: clinical testing. Allele origin: germline. Affected: yes.
Comment: Not observed at significant frequency in large population cohorts (gnomAD); In silico analysis suggests that this missense variant does not alter protein structure/function; Has not been previously published as pathogenic or benign to our knowledge

Labcorp Genetics (formerly Invitae), Labcorp
Classification: Uncertain significance for CHARGE syndrome. Last evaluated: 2025-06-10. Review status: criteria provided, single submitter. Criteria: Invitae Variant Classification Sherloc (09022015). Collection method: clinical testing. Allele origin: germline.
Comment: This sequence change replaces valine, which is neutral and non-polar, with glycine, which is neutral and non-polar, at codon 413 of the CHD7 protein (p.Val413Gly). This variant is not present in population databases (gnomAD no frequency). This variant has not been reported in the literature in individuals affected with CHD7-related conditions. ClinVar contains an entry for this variant (Variation ID: 1524512). Invitae Evidence Modeling of protein sequence and biophysical properties (such as structural, functional, and spatial information, amino acid conservation, physicochemical variation, residue mobility, and thermodynamic stability) indicates that this missense variant is not expected to disrupt CHD7 protein function with a negative predictive value of 95%. In summary, the available evidence is currently insufficient to determine the role of this variant in disease. Therefore, it has been classified as a Variant of Uncertain Significance.

Fulgent Genetics
Classification: Uncertain significance for CHD7-related CHARGE syndrome; Hypogonadotropic hypogonadism 5 with or without anosmia. Last evaluated: 2022-02-01. Review status: criteria provided, single submitter. Criteria: ACMG Guidelines, 2015. Collection method: clinical testing. Allele origin: unknown.